The following is an entry in ClinVar:

NM_022124.6(CDH23):c.7070A>G (p.Asn2357Ser)

Gene: CDH23 (cadherin related 23; plus strand). Cytogenetic location: 10q22.1.
Variant type: single nucleotide variant.
Coding change: c.7070A>G on transcript NM_022124.6 (MANE Select); coding-DNA position 7070, A replaced by G.
Protein change: p.Asn2357Ser; replaces asparagine 2357 with serine.
Molecular consequence: missense variant.
Genome position (GRCh38, 1-based): chr10:71,799,126, A>G. VCF-style: chr10-71799126-A-G. GRCh37 (hg19) VCF-style: chr10-73558883-A-G.
Other names: c.350A>G, p.Asn117Ser (NM_001171933.1, NM_001171934.1); short protein forms N117S, N2357S.
Identifiers: ClinVar variation 1948276 (VCV001948276.3), dbSNP rs937358682, ClinGen allele CA209470088.
Genomic context (GRCh38, chr10:71,799,126, plus strand): 5'-GAATGAGGAGTGGCCAAAATGGCAGTGGGAGCCTCTGTGTCTTAGGGAAGGTCATTGCCA[A>G]CCGGACAGTGGACTACGAGGAGGTGCACTGGCTCAACTTTACCGTGAGGGCCTCAGACAA-3'
Protein context (NP_071407.4, residues 2347-2367): EDSSAGKVIA[Asn2357Ser]RTVDYEEVHW

ClinVar aggregate classification (germline): Uncertain significance (1 of 4 stars; one submission).

Allele frequency attached by ClinVar (database versions not stated): gnomAD exomes below 0.00001.
gnomAD v4.1: 5 of 1,613,764 alleles (0.00031%); highest among the groups gnomAD compares: Non-Finnish European, 0.00042%; no homozygotes.

Submission:

Labcorp Genetics (formerly Invitae), Labcorp
Classification: Uncertain significance. Last evaluated: 2025-09-16. Review status: criteria provided, single submitter. Criteria: Invitae Variant Classification Sherloc (09022015). Collection method: clinical testing. Allele origin: germline.
Comment: This sequence change replaces asparagine, which is neutral and polar, with serine, which is neutral and polar, at codon 2357 of the CDH23 protein (p.Asn2357Ser). This variant is present in population databases (no rsID available, gnomAD 0.0009%). This variant has not been reported in the literature in individuals affected with CDH23-related conditions. ClinVar contains an entry for this variant (Variation ID: 1948276). Invitae Evidence Modeling of protein sequence and biophysical properties (such as structural, functional, and spatial information, amino acid conservation, physicochemical variation, residue mobility, and thermodynamic stability) has been performed for this missense variant. However, the output from this modeling did not meet the statistical confidence thresholds required to predict the impact of this variant on CDH23 protein function. In summary, the available evidence is currently insufficient to determine the role of this variant in disease. Therefore, it has been classified as a Variant of Uncertain Significance.